The following is an entry in ClinVar:

NM_001429.4(EP300):c.4056C>T (p.Ser1352=)

Gene: EP300 (E1A binding protein p300; plus strand). Cytogenetic location: 22q13.2.
Variant type: single nucleotide variant.
Coding change: c.4056C>T on transcript NM_001429.4 (MANE Select); coding-DNA position 4056, C replaced by T.
Protein change: p.Ser1352=; no amino-acid change (serine 1352 retained).
Molecular consequence: synonymous variant.
Genome position (GRCh38, 1-based): chr22:41,168,751, C>T. VCF-style: chr22-41168751-C-T. GRCh37 (hg19) VCF-style: chr22-41564755-C-T.
Other names: c.3978C>T, p.Ser1326= (NM_001362843.2).
Identifiers: ClinVar variation 3347790 (VCV003347790.1).

ClinVar aggregate classification (germline): Likely benign (0 of 4 stars; one submission).

Conditions:
EP300-related disorder. Also called: EP300-related disorders; EP300-related condition.

Submission:

PreventionGenetics, part of Exact Sciences
Classification: Likely benign for EP300-related condition. Last evaluated: 2024-08-09. Review status: no assertion criteria provided. Collection method: clinical testing. Allele origin: germline.
Comment: This variant is classified as likely benign based on ACMG/AMP sequence variant interpretation guidelines (Richards et al. 2015 PMID: 25741868, with internal and published modifications).